The following is an entry in ClinVar:

ClinVar aggregate classification (germline): Conflicting classifications of pathogenicity. Review status: criteria provided, conflicting classifications (1 of 4 stars). 7 submissions from 7 submitters: Uncertain significance (1); Benign (2); Likely benign (1). 3 of the submissions do not count toward it. Last evaluated 2026-01-29.

Conditions:
Cryopyrin associated periodic syndrome (CAPS). Identifiers: Orphanet 208650, MedGen C2316212, MONDO:0016168.
Autoinflammatory syndrome. Identifiers: Orphanet 93665, MedGen C3890737, MONDO:0019751.
Familial cold autoinflammatory syndrome 1 (FCAS1). Also called: Familial cold inflammatory syndrome 1; CRYOPYRIN-ASSOCIATED PERIODIC SYNDROME 1. Identifiers: Orphanet 47045, MedGen C4551895, MONDO:0007349, OMIM 120100.

Allele frequency attached by ClinVar (database versions not stated): gnomAD 0.00019 and 0.00020; ESP Exome Variant Server 0.00031; gnomAD exomes 0.00015 and 0.00018; 1000 Genomes Project 30x 0.00031; ExAC 0.00021; 1000 Genomes Project 0.00040; TOPMed 0.00016.
gnomAD v4.1: 292 of 1,607,918 alleles (0.018%); highest among the groups gnomAD compares: African/African-American, 0.029%; no homozygotes.

Submissions (7):

Labcorp Genetics (formerly Invitae), Labcorp
Classification: Likely benign for Cryopyrin associated periodic syndrome. Last evaluated: 2026-01-29. Review status: criteria provided, single submitter. Criteria: Invitae Variant Classification Sherloc (09022015). Collection method: clinical testing. Allele origin: germline.

Women's Health and Genetics/Laboratory Corporation of America, LabCorp
Classification: Benign. Last evaluated: 2025-11-19. Review status: criteria provided, single submitter. Criteria: LabCorp Variant Classification Summary - May 2015. Collection method: clinical testing. Allele origin: germline.

Genome Diagnostics Laboratory, The Hospital for Sick Children
Classification: Uncertain significance for Autoinflammatory syndrome. Last evaluated: 2019-08-01. Review status: criteria provided, single submitter. Criteria: ACMG Guidelines, 2015. Collection method: clinical testing. Allele origin: germline. Affected: yes.

GeneDx
Classification: Benign. Last evaluated: 2015-03-03. Review status: criteria provided, single submitter. Criteria: GeneDx Variant Classification Process June 2021. Collection method: clinical testing. Allele origin: germline. Affected: yes.

Clinical Genetics DNA and cytogenetics Diagnostics Lab, Erasmus MC, Erasmus Medical Center
Classification: Likely benign. Review status: no assertion criteria provided. Collection method: clinical testing. Allele origin: germline. Affected: yes. Study: VKGL Data-share Consensus. Not counted in ClinVar's aggregate classification.

Genome Diagnostics Laboratory, University Medical Center Utrecht
Classification: Benign. Review status: no assertion criteria provided. Collection method: clinical testing. Allele origin: germline. Affected: yes. Study: VKGL Data-share Consensus. Not counted in ClinVar's aggregate classification.

Unité médicale des maladies autoinflammatoires, CHRU Montpellier
No classification provided. Condition: Familial cold urticaria. Review status: no classification provided. Collection method: not provided. Allele origin: unknown. Not counted in ClinVar's aggregate classification.
Comment: also involved in OMIM 191900 and 607115

NM_001243133.2(NLRP3):c.1383C>T (p.Cys461=)

Gene: NLRP3 (NLR family pyrin domain containing 3; plus strand). Cytogenetic location: 1q44.
Variant type: single nucleotide variant.
Coding change: c.1383C>T on transcript NM_001243133.2 (MANE Select); coding-DNA position 1383, C replaced by T.
Protein change: p.Cys461=; no amino-acid change (cysteine 461 retained).
Molecular consequence: synonymous variant.
Genome position (GRCh38, 1-based): chr1:247,424,832, C>T. VCF-style: chr1-247424832-C-T. GRCh37 (hg19) VCF-style: chr1-247588134-C-T.
Other names: c.1383C>T, p.Cys461= (NM_001079821.3, NM_001127461.3, NM_001127462.3 and 1 more transcripts); c.1389C>T, p.Cys463= (NM_004895.5).
Identifiers: ClinVar variation 97930 (VCV000097930.14), dbSNP rs104895398, ClinGen allele CA281201.